The following is an entry in ClinVar:

ClinVar aggregate classification (germline): Pathogenic (1 of 4 stars; one submission).

Conditions:
Deafness dystonia syndrome (MTS). Also called: DYSTONIA-DEAFNESS SYNDROME, X-LINKED; Opticoacustic nerve atrophy with dementia; Nerve deafness optic nerve atrophy, and dementia; Syndrome of opticoacoustic nerve atrophy with dementia; Deafness-Dystonia-Optic Neuronopathy Syndrome; DEAFNESS SYNDROME, PROGRESSIVE, WITH BLINDNESS, DYSTONIA, FRACTURES, AND MENTAL DEFICIENCY. Identifiers: Orphanet 52368, MedGen C0796074, MONDO:0010578, OMIM 304700.

Submissions (2):

Institute of Rare Diseases, West China Hospital, Sichuan University
Classification: Pathogenic for Deafness dystonia syndrome. Last evaluated: 2025-01-09. Review status: criteria provided, single submitter. Criteria: ClinGen HL ACMG Specifications v1. Collection method: research. Allele origin: germline. Affected: yes.
Comment: PVS1;PM3;PM2_Supporting

Dr. Peter K. Rogan Lab, Western University
No classification provided (evidence only). Condition: Papillary renal cell carcinoma type 1. Review status: no classification provided. Collection method: in vitro. Allele origin: not applicable. Functional consequence: retained intron. Not counted in ClinVar's aggregate classification.

NM_004085.4(TIMM8A):c.132G>A (p.Trp44Ter)

Gene: TIMM8A (translocase of inner mitochondrial membrane 8A; minus strand). Cytogenetic location: Xq22.1.
Variant type: single nucleotide variant.
Coding change: c.132G>A on transcript NM_004085.4 (MANE Select); coding-DNA position 132, G replaced by A.
Protein change: p.Trp44Ter; replaces tryptophan 44 with a stop codon.
Molecular consequence: nonsense.
Genome position (GRCh38, 1-based): chrX:101,348,533, C>T on the plus strand (G>A on the coding strand, the complement: TIMM8A is on the minus strand). VCF-style: chrX-101348533-C-T. GRCh37 (hg19) VCF-style: chrX-100603521-C-T.
Other names: NC_000023.10:g.100603521C>T; c.132G>A, p.Trp44Ter (NM_001145951.2); short protein forms W44*.
Identifiers: ClinVar variation 3601877 (VCV003601877.2).